The following is an entry in ClinVar:

ClinVar aggregate classification (germline): Likely benign. Review status: criteria provided, multiple submitters, no conflicts (2 of 4 stars). 3 submissions from 3 submitters: Likely benign (2). 1 of the submissions does not count toward it. Last evaluated 2025-12-21.

Conditions:
CDAN1-related disorder. Also called: CDAN1-related condition.

Allele frequency attached by ClinVar (database versions not stated): gnomAD 0.00016; TOPMed 0.00017; ESP Exome Variant Server 0.00023; 1000 Genomes Project 30x 0.00031; 1000 Genomes Project 0.00040.
gnomAD v4.1: 65 of 1,612,958 alleles (0.004%); highest among the groups gnomAD compares: African/African-American, 0.043%; no homozygotes.

Submissions (3):

Labcorp Genetics (formerly Invitae), Labcorp
Classification: Likely benign. Last evaluated: 2025-12-21. Review status: criteria provided, single submitter. Criteria: Invitae Variant Classification Sherloc (09022015). Collection method: clinical testing. Allele origin: germline.

Blueprint Genetics
Classification: Likely benign. Last evaluated: 2023-01-26. Review status: criteria provided, single submitter. Criteria: ACMG Guidelines, 2015. Collection method: clinical testing. Allele origin: germline.

PreventionGenetics, part of Exact Sciences
Classification: Likely benign for CDAN1-related condition. Last evaluated: 2021-06-30. Review status: no assertion criteria provided. Collection method: clinical testing. Allele origin: germline. Not counted in ClinVar's aggregate classification.
Comment: This variant is classified as likely benign based on ACMG/AMP sequence variant interpretation guidelines (Richards et al. 2015 PMID: 25741868, with internal and published modifications).

NM_138477.4(CDAN1):c.483C>T (p.Arg161=)

Genes: CDAN1 (codanin 1; minus strand), LOC130056931 (ATAC-STARR-seq lymphoblastoid silent region 6376; plus strand). Cytogenetic location: 15q15.2.
Variant type: single nucleotide variant.
Coding change: c.483C>T on transcript NM_138477.4 (MANE Select); coding-DNA position 483, C replaced by T.
Protein change: p.Arg161=; no amino-acid change (arginine 161 retained).
Molecular consequence: synonymous variant.
Genome position (GRCh38, 1-based): chr15:42,736,388, G>A on the plus strand (C>T on the coding strand, the complement: CDAN1 is on the minus strand). VCF-style: chr15-42736388-G-A. GRCh37 (hg19) VCF-style: chr15-43028586-G-A.
Identifiers: ClinVar variation 744019 (VCV000744019.9), dbSNP rs372759056, ClinGen allele CA7516399.
Genomic context (GRCh38, chr15:42,736,388, plus strand): 5'-TACGGGAGGGAACTCCTCCAGGTTGCTGAGGTTTGGCGGATCAGACAGCGTGAGGCTGGG[G>A]CGGCTGGGGCTGCCAGAGCCCCTAAGCCTCCGGCCCCCGGCTCCGGGCAGGCTCTCCCCG-3'
Protein context (NP_612486.2, residues 151-171): RRLRGSGSPS[Arg161=]PSLTLSDPPN